The following is an entry in ClinVar:

NM_006766.5(KAT6A):c.553C>T (p.Leu185Phe)

Gene: KAT6A (lysine acetyltransferase 6A; minus strand). Cytogenetic location: 8p11.21.
Variant type: single nucleotide variant.
Coding change: c.553C>T on transcript NM_006766.5 (MANE Select); coding-DNA position 553, C replaced by T.
Protein change: p.Leu185Phe; replaces leucine 185 with phenylalanine.
Molecular consequence: missense variant.
Genome position (GRCh38, 1-based): chr8:42,048,425, G>A on the plus strand (C>T on the coding strand, the complement: KAT6A is on the minus strand). VCF-style: chr8-42048425-G-A. GRCh37 (hg19) VCF-style: chr8-41905943-G-A.
Other names: c.553C>T, p.Leu185Phe (NM_001305878.2); short protein forms L185F.
Identifiers: ClinVar variation 1940788 (VCV001940788.5), dbSNP rs1428954859, ClinGen allele CA371174428.

ClinVar aggregate classification (germline): Uncertain significance (1 of 4 stars; one submission).

Submission:

Labcorp Genetics (formerly Invitae), Labcorp
Classification: Uncertain significance. Last evaluated: 2023-04-06. Review status: criteria provided, single submitter. Criteria: Invitae Variant Classification Sherloc (09022015). Collection method: clinical testing. Allele origin: germline.
Comment: ClinVar contains an entry for this variant (Variation ID: 1940788). Advanced modeling of protein sequence and biophysical properties (such as structural, functional, and spatial information, amino acid conservation, physicochemical variation, residue mobility, and thermodynamic stability) performed at Invitae indicates that this missense variant is not expected to disrupt KAT6A protein function. This variant has not been reported in the literature in individuals affected with KAT6A-related conditions. This variant is not present in population databases (gnomAD no frequency). This sequence change replaces leucine, which is neutral and non-polar, with phenylalanine, which is neutral and non-polar, at codon 185 of the KAT6A protein (p.Leu185Phe). In summary, the available evidence is currently insufficient to determine the role of this variant in disease. Therefore, it has been classified as a Variant of Uncertain Significance.